The following is an entry in ClinVar:

ClinVar aggregate classification (germline): Uncertain significance (1 of 4 stars; one submission).

Conditions:
Baller-Gerold syndrome (BGS). Also called: CRANIOSYNOSTOSIS WITH RADIAL DEFECTS. Identifiers: Orphanet 1225, MedGen C0265308, MONDO:0009039, OMIM 218600.

Submission:

Labcorp Genetics (formerly Invitae), Labcorp
Classification: Uncertain significance for Baller-Gerold syndrome. Last evaluated: 2022-07-21. Review status: criteria provided, single submitter. Criteria: Invitae Variant Classification Sherloc (09022015). Collection method: clinical testing. Allele origin: germline.
Comment: In summary, the available evidence is currently insufficient to determine the role of this variant in disease. Therefore, it has been classified as a Variant of Uncertain Significance. Algorithms developed to predict the effect of missense changes on protein structure and function output the following: SIFT: "Not Available"; PolyPhen-2: "Not Available"; Align-GVGD: "Not Available". The arginine amino acid residue is found in multiple mammalian species, which suggests that this missense change does not adversely affect protein function. ClinVar contains an entry for this variant (Variation ID: 956511). This variant has not been reported in the literature in individuals affected with RECQL4-related conditions. This variant is not present in population databases (gnomAD no frequency). This sequence change replaces proline, which is neutral and non-polar, with arginine, which is basic and polar, at codon 860 of the RECQL4 protein (p.Pro860Arg).

NM_004260.4(RECQL4):c.2579C>G (p.Pro860Arg)

Gene: RECQL4 (RecQ like helicase 4; minus strand). Cytogenetic location: 8q24.3.
Variant type: single nucleotide variant.
Coding change: c.2579C>G on transcript NM_004260.4 (MANE Select); coding-DNA position 2579, C replaced by G.
Protein change: p.Pro860Arg; replaces proline 860 with arginine.
Molecular consequence: missense variant.
Genome position (GRCh38, 1-based): chr8:144,513,023, G>C on the plus strand (C>G on the coding strand, the complement: RECQL4 is on the minus strand). VCF-style: chr8-144513023-G-C. GRCh37 (hg19) VCF-style: chr8-145738406-G-C.
Other names: short protein forms P860R.
Identifiers: ClinVar variation 956511 (VCV000956511.6), dbSNP rs774850992, ClinGen allele CA372676981.